The following is an entry in ClinVar:

ClinVar aggregate classification (germline): Uncertain significance (1 of 4 stars; one submission).

Submission:

GeneDx
Classification: Uncertain significance. Last evaluated: 2020-01-21. Review status: criteria provided, single submitter. Criteria: GeneDx Variant Classification Process June 2021. Collection method: clinical testing. Allele origin: germline. Affected: yes.
Comment: Not observed in large population cohorts (Lek et al., 2016); In silico analysis, which includes protein predictors and evolutionary conservation, supports a deleterious effect; Has not been previously published as pathogenic or benign to our knowledge

NM_001854.4(COL11A1):c.4180C>A (p.Pro1394Thr)

Gene: COL11A1 (collagen type XI alpha 1 chain; minus strand). Cytogenetic location: 1p21.1.
Variant type: single nucleotide variant.
Coding change: c.4180C>A on transcript NM_001854.4 (MANE Select); coding-DNA position 4180, C replaced by A.
Protein change: p.Pro1394Thr; replaces proline 1394 with threonine.
Molecular consequence: missense variant. On other transcripts: non-coding transcript variant (1).
Genome position (GRCh38, 1-based): chr1:102,898,734, G>T on the plus strand (C>A on the coding strand, the complement: COL11A1 is on the minus strand). VCF-style: chr1-102898734-G-T. GRCh37 (hg19) VCF-style: chr1-103364290-G-T.
Other names: c.4063C>A, p.Pro1355Thr (NM_001190709.2); c.4216C>A, p.Pro1406Thr (NM_080629.3); c.3832C>A, p.Pro1278Thr (NM_080630.4); short protein forms P1278T, P1355T, P1394T, P1406T.
Identifiers: ClinVar variation 1313061 (VCV001313061.2), dbSNP rs2100923228, ClinGen allele CA341155376.
Genomic context (GRCh38, chr1:102,898,734, plus strand): 5'-CAGGGATGCCCCGAAGACCTTCTGGACCAGGCTTTCCTGCAGGTCCCTGAGGACCGACTG[G>T]GCCGGTTTTTCCAGGAGGACCTTCTGCACCTGCTTCCCCCTGTTAGAAAGTAAAATATGG-3'
Protein context (NP_001845.3, residues 1384-1404): GAEGPPGKTG[Pro1394Thr]VGPQGPAGKP